The following is an entry in ClinVar:

NM_014908.4(DOLK):c.1110C>A (p.Phe370Leu)

Gene: DOLK (dolichol kinase; minus strand). Cytogenetic location: 9q34.11.
Variant type: single nucleotide variant.
Coding change: c.1110C>A on transcript NM_014908.4 (MANE Select); coding-DNA position 1110, C replaced by A.
Protein change: p.Phe370Leu; replaces phenylalanine 370 with leucine.
Molecular consequence: missense variant.
Genome position (GRCh38, 1-based): chr9:128,946,194, G>T on the plus strand (C>A on the coding strand, the complement: DOLK is on the minus strand). VCF-style: chr9-128946194-G-T. GRCh37 (hg19) VCF-style: chr9-131708473-G-T.
Other names: short protein forms F370L.
Identifiers: ClinVar variation 1794966 (VCV001794966.3), dbSNP rs1449373134, ClinGen allele CA375120026.

ClinVar aggregate classification (germline): Uncertain significance (1 of 4 stars; one submission).

Conditions:
Cardiovascular phenotype. Identifiers: MedGen CN230736.

gnomAD v4.1: 2 of 1,614,230 alleles (0.00012%); highest among the groups gnomAD compares: African/African-American, 0.0027%; no homozygotes.

Submission:

Ambry Genetics
Classification: Uncertain significance for Cardiovascular phenotype. Last evaluated: 2023-02-25. Review status: criteria provided, single submitter. Criteria: Ambry Variant Classification Scheme 2023. Collection method: clinical testing. Allele origin: germline.
Comment: The p.F370L variant (also known as c.1110C>A), located in coding exon 1 of the DOLK gene, results from a C to A substitution at nucleotide position 1110. The phenylalanine at codon 370 is replaced by leucine, an amino acid with highly similar properties. This amino acid position is highly conserved in available vertebrate species. In addition, the in silico prediction for this alteration is inconclusive. Since supporting evidence is limited at this time, the clinical significance of this alteration remains unclear.